The following is an entry in ClinVar:

NM_000179.3(MSH6):c.3634G>A (p.Val1212Met)

Gene: MSH6 (mutS homolog 6; plus strand). Cytogenetic location: 2p16.3.
Variant type: single nucleotide variant.
Coding change: c.3634G>A on transcript NM_000179.3 (MANE Select); coding-DNA position 3634, G replaced by A.
Protein change: p.Val1212Met; replaces valine 1212 with methionine.
Molecular consequence: missense variant.
Genome position (GRCh38, 1-based): chr2:47,805,695, G>A. VCF-style: chr2-47805695-G-A. GRCh37 (hg19) VCF-style: chr2-48032834-G-A.
Other names: c.3244G>A, p.Val1082Met (NM_001281492.2); c.2728G>A, p.Val910Met (NM_001281493.2, NM_001281494.2); short protein forms V1212M, V1082M, V910M.
Identifiers: ClinVar variation 221107 (VCV000221107.19), dbSNP rs864622748, ClinGen allele CA348626.
Genomic context (GRCh38, chr2:47,805,695, plus strand): 5'-GTTGAATTAAGTGAAACTGCCAGCATACTCATGCATGCAACAGCACATTCTCTGGTGCTT[G>A]TGGATGAATTAGGTAAGACATTAAACTTCTCATTTGAAGACTATCTATCTTAAAAACATT-3'
Protein context (NP_000170.1, residues 1202-1222): MHATAHSLVL[Val1212Met]DELGRGTATF

ClinVar aggregate classification (germline): Conflicting classifications of pathogenicity. Review status: criteria provided, conflicting classifications (1 of 4 stars). 6 submissions from 6 submitters: Uncertain significance (4); Likely benign (1). 1 of the submissions does not count toward it. Last evaluated 2025-11-23.

Conditions:
Hereditary nonpolyposis colorectal neoplasms. Identifiers: MedGen C0009405, MeSH D003123.
Hereditary cancer-predisposing syndrome. Also called: Hereditary neoplastic syndrome; Tumor predisposition; Hereditary Cancer Syndrome; Neoplastic Syndromes, Hereditary. Identifiers: Orphanet 140162, MedGen C0027672, MeSH D009386, MONDO:0015356.
Lynch syndrome 5 (LYNCH5). Also called: Colorectal cancer, hereditary nonpolyposis, type 5; Hereditary non-polyposis colorectal cancer, type 5. Identifiers: Orphanet 144, MedGen C1833477, MONDO:0013710, OMIM 614350. Disease mechanism: loss of function.

Allele frequency attached by ClinVar (database versions not stated): gnomAD exomes below 0.00001 and 0.00002.
gnomAD v4.1: 21 of 1,608,042 alleles (0.0013%); highest among the groups gnomAD compares: Non-Finnish European, 0.0018%; no homozygotes.

Submissions (6):

Labcorp Genetics (formerly Invitae), Labcorp
Classification: Likely benign for Hereditary nonpolyposis colorectal neoplasms. Last evaluated: 2025-11-23. Review status: criteria provided, single submitter. Criteria: Invitae Variant Classification Sherloc (09022015). Collection method: clinical testing. Allele origin: germline.

Ambry Genetics
Classification: Uncertain significance for Hereditary cancer-predisposing syndrome. Last evaluated: 2024-06-16. Review status: criteria provided, single submitter. Criteria: Ambry Variant Classification Scheme 2023. Collection method: clinical testing. Allele origin: germline.
Comment: The p.V1212M variant (also known as c.3634G>A), located in coding exon 7 of the MSH6 gene, results from a G to A substitution at nucleotide position 3634. The valine at codon 1212 is replaced by methionine, an amino acid with highly similar properties. This amino acid position is well conserved in available vertebrate species. In addition, this alteration is predicted to be tolerated by in silico analysis. Since supporting evidence is limited at this time, the clinical significance of this alteration remains unclear.

Color Diagnostics, LLC DBA Color Health
Classification: Uncertain significance for Hereditary cancer-predisposing syndrome. Last evaluated: 2023-12-05. Review status: criteria provided, single submitter. Criteria: ACMG Guidelines, 2015. Collection method: clinical testing. Allele origin: germline.
Comment: This missense variant replaces valine with methionine at codon 1212 of the MSH6 protein. Computational prediction suggests that this variant may not impact protein structure and function (internally defined REVEL score threshold <= 0.5, PMID: 27666373). To our knowledge, functional studies have not been reported for this variant. This variant has not been reported in individuals affected with MSH6-related disorders in the literature. This variant has been identified in 1/251424 chromosomes in the general population by the Genome Aggregation Database (gnomAD). The available evidence is insufficient to determine the role of this variant in disease conclusively. Therefore, this variant is classified as a Variant of Uncertain Significance.

Myriad Genetics, Inc.
Classification: Uncertain significance for Lynch syndrome 5. Last evaluated: 2023-03-27. Review status: criteria provided, single submitter. Criteria: Myriad Autosomal Dominant, Autosomal Recessive and X-Linked Classification Criteria (2023). Collection method: clinical testing. Allele origin: unknown.
Comment: This variant is classified as a variant of uncertain significance as there is insufficient evidence to determine its impact on protein function and/or cancer risk.

Women's Health and Genetics/Laboratory Corporation of America, LabCorp
Classification: Uncertain significance. Last evaluated: 2018-10-01. Review status: criteria provided, single submitter. Criteria: LabCorp Variant Classification Summary - May 2015. Collection method: clinical testing. Allele origin: germline.
Comment: Variant summary: MSH6 c.3634G>A (p.Val1212Met) results in a conservative amino acid change located in the DNA mismatch repair protein MutS, core domain (IPR007696) of the encoded protein sequence. Four of five in-silico tools predict a benign effect of the variant on protein function. The variant allele was found at a frequency of 4.1e-06 in 246222 control chromosomes (gnomAD). The available data on variant occurrences in the general population are insufficient to allow any conclusion about variant significance. To our knowledge, no occurrence of c.3634G>A in individuals affected with Lynch Syndrome and no experimental evidence demonstrating its impact on protein function have been reported. Two clinical diagnostic laboratories have submitted clinical-significance assessments for this variant to ClinVar after 2014 without evidence for independent evaluation, and both laboratories classified the variant as uncertain significance. Based on the evidence outlined above, the variant was classified as uncertain significance.

Counsyl
Classification: Uncertain significance for Lynch syndrome 5. Last evaluated: 2017-05-03. Review status: no assertion criteria provided. Collection method: clinical testing. Allele origin: unknown. Not counted in ClinVar's aggregate classification.